The following is an entry in ClinVar:

NM_002693.3(POLG):c.*44G>C

Genes: FANCI (FA complementation group I; plus strand), POLG (DNA polymerase gamma, catalytic subunit; minus strand). Cytogenetic location: 15q26.1.
Variant type: single nucleotide variant.
Coding change: c.*44G>C on transcript NM_002693.3 (MANE Select); 44 bases downstream of the stop codon, G replaced by C.
Molecular consequence: 3 prime UTR variant.
Genome position (GRCh38, 1-based): chr15:89,316,707, C>G on the plus strand (G>C on the coding strand, the complement: POLG is on the minus strand). VCF-style: chr15-89316707-C-G. GRCh37 (hg19) VCF-style: chr15-89859938-C-G.
Other names: c.*44G>C (NM_001126131.2); c.*248C>G (NM_001113378.2, NM_001376910.1, NM_001376911.1 and 1 more transcripts).
Identifiers: ClinVar variation 317309 (VCV000317309.9), dbSNP rs563185483, ClinGen allele CA7724017.

ClinVar aggregate classification (germline): Uncertain significance. Review status: criteria provided, multiple submitters, no conflicts (2 of 4 stars). 3 submissions from 3 submitters: Uncertain significance (2). 1 of the submissions does not count toward it. Last evaluated 2021-12-15.

Conditions:
Fanconi anemia complementation group I (FANCI). Also called: FANCI-Related Fanconi Anemia. Identifiers: Orphanet 84, MedGen C1836861, MONDO:0012186, OMIM 609053.
POLG-related disorder. Also called: POLG-Related Spectrum Disorders; POLG-related condition; POLG-Related Disorders. Identifiers: MedGen C4763519.

Allele frequency attached by ClinVar (database versions not stated): gnomAD exomes 0.00001 and 0.00003; ExAC 0.00003; gnomAD 0.00009; 1000 Genomes Project 30x 0.00016; 1000 Genomes Project 0.00020; TOPMed 0.00023.
gnomAD v4.1: 34 of 1,509,244 alleles (0.0023%); highest among the groups gnomAD compares: Admixed American, 0.04%; no homozygotes.

Submissions (3):

Fulgent Genetics
Classification: Uncertain significance for Fanconi anemia complementation group I. Last evaluated: 2021-12-15. Review status: criteria provided, single submitter. Criteria: ACMG Guidelines, 2015. Collection method: clinical testing. Allele origin: unknown.

Illumina Laboratory Services, Illumina
Classification: Uncertain significance for Fanconi anemia complementation group I. Last evaluated: 2018-01-13. Review status: criteria provided, single submitter. Criteria: ICSL Variant Classification Criteria 13 December 2019. Collection method: clinical testing. Allele origin: germline.

PreventionGenetics, part of Exact Sciences
Classification: Likely benign for POLG-related condition. Last evaluated: 2022-11-02. Review status: no assertion criteria provided. Collection method: clinical testing. Allele origin: germline. Not counted in ClinVar's aggregate classification.
Comment: This variant is classified as likely benign based on ACMG/AMP sequence variant interpretation guidelines (Richards et al. 2015 PMID: 25741868, with internal and published modifications).